The following is an entry in ClinVar:

NM_000059.4(BRCA2):c.5714A>T (p.His1905Leu)

Gene: BRCA2 (BRCA2 DNA repair associated; plus strand). Cytogenetic location: 13q13.1.
Variant type: single nucleotide variant.
Coding change: c.5714A>T on transcript NM_000059.4 (MANE Select); coding-DNA position 5714, A replaced by T.
Protein change: p.His1905Leu; replaces histidine 1905 with leucine.
Molecular consequence: missense variant.
Genome position (GRCh38, 1-based): chr13:32,340,069, A>T. VCF-style: chr13-32340069-A-T. GRCh37 (hg19) VCF-style: chr13-32914206-A-T.
Other names: p.H1905L:CAT>CTT; 5942A>T; short protein forms H1905L.
Identifiers: ClinVar variation 96825 (VCV000096825.28), dbSNP rs80358796, ClinGen allele CA023034.

ClinVar aggregate classification (germline): Conflicting classifications of pathogenicity. Review status: criteria provided, conflicting classifications (1 of 4 stars). 6 submissions from 6 submitters: Uncertain significance (4); Likely benign (1). 1 of the submissions does not count toward it. Last evaluated 2025-10-28.

Conditions:
Hereditary cancer-predisposing syndrome. Also called: Hereditary Cancer Syndrome; Neoplastic Syndromes, Hereditary; Hereditary neoplastic syndrome; Tumor predisposition. Identifiers: Orphanet 140162, MedGen C0027672, MeSH D009386, MONDO:0015356.
Hereditary breast ovarian cancer syndrome. Also called: Breast and ovarian cancer; Hereditary breast and/or ovarian cancer syndrome; Hereditary breast and ovarian cancer; Hereditary breast and ovarian cancer syndrome; Hereditary breast and ovarian cancer syndrome (HBOC); BRCA1- and BRCA2-Associated Hereditary Breast and Ovarian Cancer. Identifiers: Orphanet 145, MedGen C0677776, MeSH D061325, MONDO:0003582. Disease mechanism: loss of function.
Breast-ovarian cancer, familial, susceptibility to, 2 (BROVCA2). Also called: BRCA2 Hereditary Breast and Ovarian Cancer. Identifiers: Orphanet 145, MedGen C2675520, MONDO:0012933, OMIM 612555. Disease mechanism: loss of function.

gnomAD v4.1: 5 of 1,613,912 alleles (0.00031%); highest among the groups gnomAD compares: Non-Finnish European, 0.00042%; no homozygotes.

Submissions (6):

Ambry Genetics
Classification: Uncertain significance for Hereditary cancer-predisposing syndrome. Last evaluated: 2025-10-28. Review status: criteria provided, single submitter. Criteria: Ambry Variant Classification Scheme 2023. Collection method: clinical testing. Allele origin: germline.
Comment: The p.H1905L variant (also known as c.5714A>T), located in coding exon 10 of the BRCA2 gene, results from an A to T substitution at nucleotide position 5714. The histidine at codon 1905 is replaced by leucine, an amino acid with similar properties. This amino acid position is poorly conserved in available vertebrate species. In addition, this alteration is predicted to be tolerated by in silico analysis. Since supporting evidence is limited at this time, the clinical significance of this alteration remains unclear.

Labcorp Genetics (formerly Invitae), Labcorp
Classification: Uncertain significance for Hereditary breast ovarian cancer syndrome. Last evaluated: 2024-08-28. Review status: criteria provided, single submitter. Criteria: Invitae Variant Classification Sherloc (09022015). Collection method: clinical testing. Allele origin: germline.
Comment: This sequence change replaces histidine, which is basic and polar, with leucine, which is neutral and non-polar, at codon 1905 of the BRCA2 protein (p.His1905Leu). This variant is not present in population databases (gnomAD no frequency). This variant has not been reported in the literature in individuals affected with BRCA2-related conditions. ClinVar contains an entry for this variant (Variation ID: 96825). Invitae Evidence Modeling of protein sequence and biophysical properties (such as structural, functional, and spatial information, amino acid conservation, physicochemical variation, residue mobility, and thermodynamic stability) indicates that this missense variant is not expected to disrupt BRCA2 protein function with a negative predictive value of 95%. In summary, the available evidence is currently insufficient to determine the role of this variant in disease. Therefore, it has been classified as a Variant of Uncertain Significance.

GeneDx
Classification: Uncertain significance. Last evaluated: 2023-11-14. Review status: criteria provided, single submitter. Criteria: GeneDx Variant Classification Process June 2021. Collection method: clinical testing. Allele origin: germline. Affected: yes.
Comment: Not observed in large population cohorts (gnomAD); In silico analysis supports that this missense variant does not alter protein structure/function; Has not been previously published as pathogenic or benign to our knowledge; Also known as 5942A>T; This variant is associated with the following publications: (PMID: 32483276)

University of Washington Department of Laboratory Medicine, University of Washington
Classification: Likely benign for Hereditary cancer-predisposing syndrome. Last evaluated: 2023-03-23. Review status: criteria provided, single submitter. Criteria: Dines et al. (Genet Med. 2020). Collection method: curation. Allele origin: germline.
Comment: Missense variant in a coldspot region where missense variants are very unlikely to be pathogenic (PMID:31911673).

BRCA2 exon 11 coldspot. Reclassification based on statistical prior probability.

Color Diagnostics, LLC DBA Color Health
Classification: Uncertain significance for Hereditary cancer-predisposing syndrome. Last evaluated: 2022-05-16. Review status: criteria provided, single submitter. Criteria: ACMG Guidelines, 2015. Collection method: clinical testing. Allele origin: germline.
Comment: This missense variant replaces histidine with leucine at codon 1905 of the BRCA2 protein. Computational prediction suggests that this variant may not impact protein structure and function (internally defined REVEL score threshold <= 0.5, PMID: 27666373). To our knowledge, functional studies have not been reported for this variant. This variant has not been reported in individuals affected with hereditary cancer in the literature. This variant has not been identified in the general population by the Genome Aggregation Database (gnomAD). The available evidence is insufficient to determine the role of this variant in disease conclusively. Therefore, this variant is classified as a Variant of Uncertain Significance.

Sharing Clinical Reports Project (SCRP)
Classification: Uncertain significance for Breast-ovarian cancer, familial 2. Last evaluated: 2012-03-19. Review status: no assertion criteria provided. Collection method: clinical testing. Allele origin: germline. Not counted in ClinVar's aggregate classification.